The following is an entry in ClinVar:

ClinVar aggregate classification (germline): Uncertain significance. Review status: criteria provided, multiple submitters, no conflicts (2 of 4 stars). 2 submissions from 2 submitters: Uncertain significance (2). Last evaluated 2026-07-16.

Conditions:
Hereditary factor VIII deficiency disease (HEMA). Also called: HEMOPHILIA, CLASSIC; Hemophilia A; AUTOSOMAL HEMOPHILIA A; Hemophilia A, congenital; HEM A; Factor 8 deficiency, congenital. Identifiers: Orphanet 98878, MedGen C0019069, MONDO:0010602, OMIM 306700.

gnomAD v4.1: 1 of 1,210,371 alleles (0.000083%); no homozygotes.

Submissions (2):

Myriad Genetics, Inc.
Classification: Uncertain significance for Hereditary factor VIII deficiency disease. Last evaluated: 2026-07-16. Review status: criteria provided, single submitter. Criteria: Myriad Autosomal Dominant, Autosomal Recessive and X-Linked Classification Criteria (2023). Collection method: clinical testing. Allele origin: unknown.
Comment: NM_000132.3(F8):c.7001A>C(H2334P) is a missense variant classified as a variant of uncertain significance in the context of hemophilia A. H2334P has been observed in a case with relevant disease (PMID: 35770352). Relevant functional assessments of this variant are not available in the literature. H2334P has not been observed in referenced population frequency databases. In summary, there is insufficient evidence to classify NM_000132.3(F8):c.7001A>C(H2334P) as pathogenic or benign. Please note: this variant was assessed in the context of healthy population screening.

ARUP Laboratories, Molecular Genetics and Genomics, ARUP Laboratories
Classification: Uncertain significance. Last evaluated: 2024-09-24. Review status: criteria provided, single submitter. Criteria: ARUP Molecular Germline Variant Investigation Process 2024. Collection method: clinical testing. Allele origin: germline.
Comment: The F8 c.7001A>C; p.His2334Pro variant (rs1294203936) is reported in the literature an individual affected with mild hemophilia A (Johnsen 2017). This variant is absent from the Genome Aggregation Database (v2.1.1), indicating it is not a common polymorphism. Computational analyses are uncertain whether this variant is neutral or deleterious (REVEL: 0.664). Due to limited information, the clinical significance of this variant is uncertain at this time. References: Johnsen JM et al. Novel approach to genetic analysis and results in 3000 hemophilia patients enrolled in the My Life, Our Future initiative. Blood Adv. 2017 May 18;1(13):824-834. PMID: 29296726.

Literature cited by the submitters: PubMed 35770352 (cited by Myriad Genetics, Inc.).

NM_000132.4(F8):c.7001A>C (p.His2334Pro)

Gene: F8 (coagulation factor VIII; minus strand). Cytogenetic location: Xq28.
Variant type: single nucleotide variant.
Coding change: c.7001A>C on transcript NM_000132.4 (MANE Select); coding-DNA position 7001, A replaced by C.
Protein change: p.His2334Pro; replaces histidine 2334 with proline.
Molecular consequence: missense variant.
Genome position (GRCh38, 1-based): chrX:154,837,652, T>G on the plus strand (A>C on the coding strand, the complement: F8 is on the minus strand). VCF-style: chrX-154837652-T-G. GRCh37 (hg19) VCF-style: chrX-154065927-T-G.
Other names: c.596A>C, p.His199Pro (NM_019863.3); short protein forms H199P, H2334P.
Identifiers: ClinVar variation 3766847 (VCV003766847.2).